The following is an entry in ClinVar:

NM_015340.4(LARS2):c.715A>G (p.Arg239Gly)

Gene: LARS2 (leucyl-tRNA synthetase 2, mitochondrial; plus strand). Cytogenetic location: 3p21.31.
Variant type: single nucleotide variant.
Coding change: c.715A>G on transcript NM_015340.4 (MANE Select); coding-DNA position 715, A replaced by G.
Protein change: p.Arg239Gly; replaces arginine 239 with glycine.
Molecular consequence: missense variant.
Genome position (GRCh38, 1-based): chr3:45,458,851, A>G. VCF-style: chr3-45458851-A-G. GRCh37 (hg19) VCF-style: chr3-45500343-A-G.
Other names: c.715A>G, p.Arg239Gly (NM_001368263.1); short protein forms R239G.
Identifiers: ClinVar variation 2127190 (VCV002127190.4), dbSNP rs1386604849, ClinGen allele CA352422517.
Genomic context (GRCh38, chr3:45,458,851, plus strand): 5'-CAGGTGGATGAACATGGCTGTTCATGGCGTTCTGGAGCAAAGGTGGAACAGAAGTACCTC[A>G]GACAATGGTTTATTAAGACAACCGCTTATGCAAAGGTGAGTGTCAGCCTGGAGGCTCCCC-3'
Protein context (NP_056155.1, residues 229-249): SGAKVEQKYL[Arg239Gly]QWFIKTTAYA

ClinVar aggregate classification (germline): Uncertain significance (1 of 4 stars; one submission).

gnomAD v4.1: 1 of 1,614,108 alleles (0.000062%); highest among the groups gnomAD compares: Non-Finnish European, 0.000085%; no homozygotes.

Submission:

Labcorp Genetics (formerly Invitae), Labcorp
Classification: Uncertain significance. Last evaluated: 2023-07-10. Review status: criteria provided, single submitter. Criteria: Invitae Variant Classification Sherloc (09022015). Collection method: clinical testing. Allele origin: germline.
Comment: In summary, the available evidence is currently insufficient to determine the role of this variant in disease. Therefore, it has been classified as a Variant of Uncertain Significance. Advanced modeling of protein sequence and biophysical properties (such as structural, functional, and spatial information, amino acid conservation, physicochemical variation, residue mobility, and thermodynamic stability) performed at Invitae indicates that this missense variant is not expected to disrupt LARS2 protein function. ClinVar contains an entry for this variant (Variation ID: 2127190). This variant has not been reported in the literature in individuals affected with LARS2-related conditions. This variant is not present in population databases (gnomAD no frequency). This sequence change replaces arginine, which is basic and polar, with glycine, which is neutral and non-polar, at codon 239 of the LARS2 protein (p.Arg239Gly).